The following is an entry in ClinVar:

NM_007208.4(MRPL3):c.277+251A>T

Gene: MRPL3 (mitochondrial ribosomal protein L3; minus strand). Cytogenetic location: 3q22.1.
Variant type: single nucleotide variant.
Coding change: c.277+251A>T on transcript NM_007208.4 (MANE Select); 251 bases into the intron after coding-DNA position 277, A replaced by T.
Molecular consequence: intron variant.
Genome position (GRCh38, 1-based): chr3:131,501,280, T>A on the plus strand (A>T on the coding strand, the complement: MRPL3 is on the minus strand). VCF-style: chr3-131501280-T-A. GRCh37 (hg19) VCF-style: chr3-131220124-T-A.
Identifiers: ClinVar variation 682626 (VCV000682626.1), dbSNP rs80053966, ClinGen allele CA15239990.

ClinVar aggregate classification (germline): Benign (1 of 4 stars; one submission).

Allele frequency attached by ClinVar (database versions not stated): 1000 Genomes Project 0.04393; 1000 Genomes Project 30x 0.04591; gnomAD 0.06516 and 0.06846; TOPMed 0.06639.
gnomAD v4.1: 9,994 of 152,270 alleles (6.6%); highest among the groups gnomAD compares: African/African-American, 8.9%; 393 homozygotes.

Submission:

GeneDx
Classification: Benign. Last evaluated: 2018-06-14. Review status: criteria provided, single submitter. Criteria: GeneDx Variant Classification (06012015). Collection method: clinical testing. Allele origin: germline. Affected: yes.
Comment: This variant is considered likely benign or benign based on one or more of the following criteria: it is a conservative change, it occurs at a poorly conserved position in the protein, it is predicted to be benign by multiple in silico algorithms, and/or has population frequency not consistent with disease.